The following is an entry in ClinVar:

ClinVar aggregate classification (germline): Uncertain significance (1 of 4 stars; one submission).

Conditions:
Ullrich congenital muscular dystrophy 2 (UCMD2). Identifiers: Orphanet 75840, MedGen C4225314, MONDO:0014654, OMIM 616470.
Bethlem myopathy 2 (BTHLM2). Identifiers: Orphanet 536516, Orphanet 610, MedGen C4225313, MONDO:0034022, OMIM 616471.

gnomAD v4.1: 1 of 1,610,438 alleles (0.000062%); highest among the groups gnomAD compares: Non-Finnish European, 0.000085%; no homozygotes.

Submission:

Labcorp Genetics (formerly Invitae), Labcorp
Classification: Uncertain significance for Bethlem myopathy 2; Ullrich congenital muscular dystrophy 2. Last evaluated: 2024-12-14. Review status: criteria provided, single submitter. Criteria: Invitae Variant Classification Sherloc (09022015). Collection method: clinical testing. Allele origin: germline.
Comment: This sequence change replaces phenylalanine, which is neutral and non-polar, with leucine, which is neutral and non-polar, at codon 2353 of the COL12A1 protein (p.Phe2353Leu). This variant is not present in population databases (gnomAD no frequency). This variant has not been reported in the literature in individuals affected with COL12A1-related conditions. Invitae Evidence Modeling of protein sequence and biophysical properties (such as structural, functional, and spatial information, amino acid conservation, physicochemical variation, residue mobility, and thermodynamic stability) indicates that this missense variant is not expected to disrupt COL12A1 protein function with a negative predictive value of 80%. In summary, the available evidence is currently insufficient to determine the role of this variant in disease. Therefore, it has been classified as a Variant of Uncertain Significance.

NM_004370.6(COL12A1):c.7057T>C (p.Phe2353Leu)

Gene: COL12A1 (collagen type XII alpha 1 chain; minus strand). Cytogenetic location: 6q13.
Variant type: single nucleotide variant.
Coding change: c.7057T>C on transcript NM_004370.6 (MANE Select); coding-DNA position 7057, T replaced by C.
Protein change: p.Phe2353Leu; replaces phenylalanine 2353 with leucine.
Molecular consequence: missense variant.
Genome position (GRCh38, 1-based): chr6:75,121,331, A>G on the plus strand (T>C on the coding strand, the complement: COL12A1 is on the minus strand). VCF-style: chr6-75121331-A-G. GRCh37 (hg19) VCF-style: chr6-75831047-A-G.
Other names: c.7057T>C, p.Phe2353Leu (NM_001424113.1); c.7036T>C, p.Phe2346Leu (NM_001424114.1); c.6784T>C, p.Phe2262Leu (NM_001424115.1); c.3565T>C, p.Phe1189Leu (NM_001424116.1, NM_080645.3); short protein forms F1189L, F2262L, F2346L, F2353L.
Identifiers: ClinVar variation 3758361 (VCV003758361.2).
Genomic context (GRCh38, chr6:75,121,331, plus strand): 5'-AATGAGTAGCCACTGGCGGAATGACACTAACCTGAATCCCAGCAGGACTGATTTCATCAA[A>G]GCCTCCCACAGTATTGAAGATGAATTTTACAACTTTGTTAAAATTATCGTCCCCAATGCT-3'
Protein context (NP_004361.3, residues 2343-2363): VKFIFNTVGG[Phe2353Leu]DEISPAGIQV